The following is an entry in ClinVar:

NM_001035.3(RYR2):c.5885C>A (p.Thr1962Lys)

Gene: RYR2 (ryanodine receptor 2; plus strand). Cytogenetic location: 1q43.
Variant type: single nucleotide variant.
Coding change: c.5885C>A on transcript NM_001035.3 (MANE Select); coding-DNA position 5885, C replaced by A.
Protein change: p.Thr1962Lys; replaces threonine 1962 with lysine.
Molecular consequence: missense variant.
Genome position (GRCh38, 1-based): chr1:237,617,455, C>A. VCF-style: chr1-237617455-C-A. GRCh37 (hg19) VCF-style: chr1-237780755-C-A.
Other names: short protein forms T1962K.
Identifiers: ClinVar variation 3436571 (VCV003436571.1).
Genomic context (GRCh38, chr1:237,617,455, plus strand): 5'-TCCGATACAACGAAGTCATGCAAGCCTTAAACATGTCAGCTGCACTCACAGCCAGGAAGA[C>A]AAAGGAATTTAGATCACCACCTCAAGAACAGGTACAGAAATGAAATGAAAATTCTTCGTA-3'
Protein context (NP_001026.2, residues 1952-1972): NMSAALTARK[Thr1962Lys]KEFRSPPQEQ

ClinVar aggregate classification (germline): Uncertain significance (1 of 4 stars; one submission).

Conditions:
Cardiovascular phenotype. Identifiers: MedGen CN230736.

Submission:

Ambry Genetics
Classification: Uncertain significance for Cardiovascular phenotype. Last evaluated: 2024-08-14. Review status: criteria provided, single submitter. Criteria: Ambry Variant Classification Scheme 2023. Collection method: clinical testing. Allele origin: germline.
Comment: The p.T1962K variant (also known as c.5885C>A), located in coding exon 38 of the RYR2 gene, results from a C to A substitution at nucleotide position 5885. The threonine at codon 1962 is replaced by lysine, an amino acid with similar properties. This amino acid position is highly conserved in available vertebrate species. In addition, this alteration is predicted to be deleterious by in silico analysis. Based on the available evidence, the clinical significance of this variant remains unclear.